The following is an entry in ClinVar:

ClinVar aggregate classification (germline): Likely benign (0 of 4 stars; one submission).

Conditions:
SP7-related disorder. Also called: SP7-related condition.

gnomAD v4.1: 3 of 1,600,452 alleles (0.00019%); highest among the groups gnomAD compares: East Asian, 0.0022%; no homozygotes.

Submission:

PreventionGenetics, part of Exact Sciences
Classification: Likely benign for SP7-related condition. Last evaluated: 2019-04-30. Review status: no assertion criteria provided. Collection method: clinical testing. Allele origin: germline.
Comment: This variant is classified as likely benign based on ACMG/AMP sequence variant interpretation guidelines (Richards et al. 2015 PMID: 25741868, with internal and published modifications).

NM_001173467.3(SP7):c.666T>C (p.His222=)

Gene: SP7 (Sp7 transcription factor; minus strand). Cytogenetic location: 12q13.13.
Variant type: single nucleotide variant.
Coding change: c.666T>C on transcript NM_001173467.3 (MANE Select); coding-DNA position 666, T replaced by C.
Protein change: p.His222=; no amino-acid change (histidine 222 retained).
Molecular consequence: synonymous variant.
Genome position (GRCh38, 1-based): chr12:53,328,776, A>G on the plus strand (T>C on the coding strand, the complement: SP7 is on the minus strand). VCF-style: chr12-53328776-A-G. GRCh37 (hg19) VCF-style: chr12-53722560-A-G.
Other names: c.612T>C, p.His204= (NM_001300837.2); c.666T>C, p.His222= (NM_152860.2).
Identifiers: ClinVar variation 3037855 (VCV003037855.2), dbSNP rs766518602, ClinGen allele CA480081917.